The following is an entry in ClinVar:

NM_014633.5(CTR9):c.1873-4A>G

Gene: CTR9 (CTR9 component of Paf1/RNA polymerase II complex; plus strand). Cytogenetic location: 11p15.4.
Variant type: single nucleotide variant.
Coding change: c.1873-4A>G on transcript NM_014633.5 (MANE Select); 4 bases into the intron before coding-DNA position 1873, A replaced by G.
Molecular consequence: intron variant.
Genome position (GRCh38, 1-based): chr11:10,768,070, A>G. VCF-style: chr11-10768070-A-G. GRCh37 (hg19) VCF-style: chr11-10789617-A-G.
Other names: c.1873-4A>G (NM_001346279.2).
Identifiers: ClinVar variation 731780 (VCV000731780.12), dbSNP rs374419778, ClinGen allele CA5885192.

ClinVar aggregate classification (germline): Benign. Review status: criteria provided, multiple submitters, no conflicts (2 of 4 stars). 2 submissions from 2 submitters: Benign (2). Last evaluated 2026-06-01.

Allele frequency attached by ClinVar (database versions not stated): ESP Exome Variant Server 0.00031; TOPMed 0.00031; gnomAD 0.00051; ExAC 0.00054; gnomAD exomes 0.00060 and 0.00069.
gnomAD v4.1: 942 of 1,613,964 alleles (0.058%); highest among the groups gnomAD compares: Non-Finnish European, 0.055%; 4 homozygotes.

Submissions (2):

CeGaT Center for Human Genetics Tuebingen
Classification: Benign. Last evaluated: 2026-06-01. Review status: criteria provided, single submitter. Criteria: CeGaT Center For Human Genetics Tuebingen Variant Classification Criteria Version 2. Collection method: clinical testing. Allele origin: germline. Affected: yes. Observed: 3 variant alleles.
Comment: CTR9: BP4, BS1, BS2

Labcorp Genetics (formerly Invitae), Labcorp
Classification: Benign. Last evaluated: 2025-11-09. Review status: criteria provided, single submitter. Criteria: Invitae Variant Classification Sherloc (09022015). Collection method: clinical testing. Allele origin: germline.